The following is an entry in ClinVar:

ClinVar aggregate classification (germline): Uncertain significance (1 of 4 stars; one submission).

Conditions:
Cardiovascular phenotype. Identifiers: MedGen CN230736.

gnomAD v4.1: 2 of 1,550,292 alleles (0.00013%); highest among the groups gnomAD compares: Admixed American, 0.002%; no homozygotes.

Submission:

Ambry Genetics
Classification: Uncertain significance for Cardiovascular phenotype. Last evaluated: 2023-02-26. Review status: criteria provided, single submitter. Criteria: Ambry Variant Classification Scheme 2023. Collection method: clinical testing. Allele origin: germline.
Comment: The p.P2395L variant (also known as c.7184C>T), located in coding exon 2 of the ZNF469 gene, results from a C to T substitution at nucleotide position 7184. The proline at codon 2395 is replaced by leucine, an amino acid with similar properties. This amino acid position is conserved. In addition, this alteration is predicted to be tolerated by in silico analysis. Since supporting evidence is limited at this time, the clinical significance of this alteration remains unclear.

NM_001367624.2(ZNF469):c.7268C>T (p.Pro2423Leu)

Gene: ZNF469 (zinc finger protein 469; plus strand). Cytogenetic location: 16q24.2.
Variant type: single nucleotide variant.
Coding change: c.7268C>T on transcript NM_001367624.2 (MANE Select); coding-DNA position 7268, C replaced by T.
Protein change: p.Pro2423Leu; replaces proline 2423 with leucine.
Molecular consequence: missense variant.
Genome position (GRCh38, 1-based): chr16:88,434,738, C>T. VCF-style: chr16-88434738-C-T. GRCh37 (hg19) VCF-style: chr16-88501146-C-T.
Other names: NM_001127464.1:c.7184C>T; short protein forms P2423L.
Identifiers: ClinVar variation 2449521 (VCV002449521.2), dbSNP rs1246649952, ClinGen allele CA397109057.